The following is an entry in ClinVar:

NM_006182.4(DDR2):c.1323G>A (p.Met441Ile)

Gene: DDR2 (discoidin domain receptor tyrosine kinase 2; plus strand). Cytogenetic location: 1q23.3.
Variant type: single nucleotide variant.
Coding change: c.1323G>A on transcript NM_006182.4 (MANE Select); coding-DNA position 1323, G replaced by A.
Protein change: p.Met441Ile; replaces methionine 441 with isoleucine.
Molecular consequence: missense variant.
Genome position (GRCh38, 1-based): chr1:162,770,331, G>A. VCF-style: chr1-162770331-G-A. GRCh37 (hg19) VCF-style: chr1-162740121-G-A.
Other names: c.1323G>A, p.Met441Ile (NM_001014796.3, NM_001354982.2, NM_001354983.2); short protein forms M441I.
Identifiers: ClinVar variation 811602 (VCV000811602.27), dbSNP rs34722354, ClinGen allele CA1217493.
Genomic context (GRCh38, chr1:162,770,331, plus strand): 5'-ACATGCCTTTCTCCTTGCTCTTCTCTTCCAGGCTTCTCGGAGGATGCTGGATGATGAAAT[G>A]ACAGTCAGCCTTTCCCTGCCAAGTGATTCTAGCATGTTCAACAATAACCGCTCCTCATCA-3'
Protein context (NP_006173.2, residues 431-451): KASRRMLDDE[Met441Ile]TVSLSLPSDS

ClinVar aggregate classification (germline): Conflicting classifications of pathogenicity. Review status: criteria provided, conflicting classifications (1 of 4 stars). 5 submissions from 5 submitters: Uncertain significance (1); Benign (3); Likely benign (1). Last evaluated 2026-02-01.

Conditions:
Connective tissue disorder. Also called: Connective tissue disease. Identifiers: MedGen C0009782, MONDO:0003900.
Spondyloepimetaphyseal dysplasia-short limb-abnormal calcification syndrome (SMED-SL). Also called: Spondylometaepiphyseal dysplasia, short limb-hand type; SMED, TYPE II; SMED-SL/AC; SMED short limb-hand type; SMED type 2; Spondylometaepiphyseal dysplasia short limb-abnormal calcification type. Identifiers: Orphanet 93358, MedGen C1849011, MONDO:0010077, OMIM 271665.

Allele frequency attached by ClinVar (database versions not stated): 1000 Genomes Project 0.00579; 1000 Genomes Project 30x 0.00609; TOPMed 0.01223; gnomAD 0.01343 and 0.01358; gnomAD exomes 0.01449 and 0.01870; ExAC 0.01493; ESP Exome Variant Server 0.01584.
gnomAD v4.1: 29,145 of 1,613,984 alleles (1.8%); highest among the groups gnomAD compares: Non-Finnish European, 2.1%; 333 homozygotes.

Submissions (5):

Labcorp Genetics (formerly Invitae), Labcorp
Classification: Benign. Last evaluated: 2026-02-01. Review status: criteria provided, single submitter. Criteria: Invitae Variant Classification Sherloc (09022015). Collection method: clinical testing. Allele origin: germline.

ARUP Laboratories, Molecular Genetics and Genomics, ARUP Laboratories
Classification: Benign. Last evaluated: 2025-03-07. Review status: criteria provided, single submitter. Criteria: ARUP Molecular Germline Variant Investigation Process 2024. Collection method: clinical testing. Allele origin: germline.

GeneDx
Classification: Likely benign. Last evaluated: 2024-03-23. Review status: criteria provided, single submitter. Criteria: GeneDx Variant Classification Process June 2021. Collection method: clinical testing. Allele origin: germline. Affected: yes.
Comment: See Variant Classification Assertion Criteria.

Genome Diagnostics Laboratory, The Hospital for Sick Children
Classification: Benign for Connective tissue disorder. Last evaluated: 2021-11-24. Review status: criteria provided, single submitter. Criteria: ACMG Guidelines, 2015. Collection method: clinical testing. Allele origin: germline.

Illumina Laboratory Services, Illumina
Classification: Uncertain significance for Spondyloepimetaphyseal dysplasia-short limb-abnormal calcification syndrome. Last evaluated: 2018-01-12. Review status: criteria provided, single submitter. Criteria: ICSL Variant Classification Criteria 13 December 2019. Collection method: clinical testing. Allele origin: germline.